The following is an entry in ClinVar:

NM_001148.6(ANK2):c.9808G>T (p.Gly3270Cys)

Gene: ANK2 (ankyrin 2; plus strand). Cytogenetic location: 4q26.
Variant type: single nucleotide variant.
Coding change: c.9808G>T on transcript NM_001148.6 (MANE Select); coding-DNA position 9808, G replaced by T.
Protein change: p.Gly3270Cys; replaces glycine 3270 with cysteine.
Molecular consequence: missense variant. On other transcripts: intron variant (68).
Genome position (GRCh38, 1-based): chr4:113,358,426, G>T. VCF-style: chr4-113358426-G-T. GRCh37 (hg19) VCF-style: chr4-114279582-G-T.
Other names: c.9574G>T, p.Gly3192Cys (NM_001386142.1); c.6208G>T, p.Gly2070Cys (NM_001386166.1); c.9949G>T, p.Gly3317Cys (NM_001386174.1); c.9925G>T, p.Gly3309Cys (NM_001386175.1); c.4412-2397G>T (NM_001386186.2, NM_001386148.2); c.4214-2397G>T (NM_001354269.3); c.4292-2397G>T (NM_001386187.2); c.4253-2397G>T (NM_001386147.1); and 35 more; short protein forms G3309C, G3192C, G3270C, G3317C, G2070C.
Identifiers: ClinVar variation 1768274 (VCV001768274.5), dbSNP rs1054393061, ClinGen allele CA103817612.

ClinVar aggregate classification (germline): Conflicting classifications of pathogenicity. Review status: criteria provided, conflicting classifications (1 of 4 stars). 2 submissions from 2 submitters: Uncertain significance (1); Likely benign (1). Last evaluated 2024-01-11.

Conditions:
Long QT syndrome (LQTS). Identifiers: MedGen C0023976, MeSH D008133, MONDO:0002442. Disease mechanism: loss of function. Inheritance: Various modes of inheritance.
Cardiovascular phenotype. Identifiers: MedGen CN230736.

Allele frequency attached by ClinVar (database versions not stated): TOPMed below 0.00001; gnomAD exomes 0.00001.
gnomAD v4.1: 3 of 1,614,056 alleles (0.00019%); highest among the groups gnomAD compares: Admixed American, 0.005%; no homozygotes.

Submissions (2):

Labcorp Genetics (formerly Invitae), Labcorp
Classification: Uncertain significance for Long QT syndrome. Last evaluated: 2024-01-11. Review status: criteria provided, single submitter. Criteria: Invitae Variant Classification Sherloc (09022015). Collection method: clinical testing. Allele origin: germline.
Comment: This sequence change replaces glycine, which is neutral and non-polar, with cysteine, which is neutral and slightly polar, at codon 3270 of the ANK2 protein (p.Gly3270Cys). This variant is present in population databases (no rsID available, gnomAD 0.006%). This variant has not been reported in the literature in individuals affected with ANK2-related conditions. ClinVar contains an entry for this variant (Variation ID: 1768274). An algorithm developed to predict the effect of missense changes on protein structure and function (PolyPhen-2) suggests that this variant is likely to be disruptive. In summary, the available evidence is currently insufficient to determine the role of this variant in disease. Therefore, it has been classified as a Variant of Uncertain Significance.

Ambry Genetics
Classification: Likely benign for Cardiovascular phenotype. Last evaluated: 2019-09-09. Review status: criteria provided, single submitter. Criteria: Ambry Variant Classification Scheme 2023. Collection method: clinical testing. Allele origin: germline.